The following is an entry in ClinVar:

ClinVar aggregate classification (germline): Uncertain significance (1 of 4 stars; one submission).

Conditions:
Catecholaminergic polymorphic ventricular tachycardia (CVPT). Also called: Catecholamine-induced polymorphic ventricular tachycardia. Identifiers: Orphanet 3286, MedGen C5574922, MONDO:0017990.

Submission:

All of Us Research Program, National Institutes of Health
Classification: Uncertain significance for Catecholaminergic polymorphic ventricular tachycardia. Last evaluated: 2024-04-16. Review status: criteria provided, single submitter. Criteria: ACMG Guidelines, 2015. Collection method: clinical testing. Allele origin: germline. Inheritance: Autosomal dominant inheritance. Observed: 1 variant allele, 1 heterozygote.
Comment: This missense variant replaces alanine with serine at codon 1053 of the RYR2 protein. Computational prediction is inconclusive regarding the impact of this variant on protein structure and function (internally defined REVEL score threshold 0.5 < inconclusive < 0.7, PMID: 27666373). To our knowledge, functional studies have not been reported for this variant. This variant has not been reported in individuals affected with RYR2-related disorders in the literature. This variant has not been identified in the general population by the Genome Aggregation Database (gnomAD). The available evidence is insufficient to determine the role of this variant in disease conclusively. Therefore, this variant is classified as a Variant of Uncertain Significance.

This study involves interpretation of variants in research participants for the purpose of population health screening. Participant phenotype was not available at the time of variant classification. Additional details can be found in publication PMID: 35346344, PMCID: PMC8962531

NM_001035.3(RYR2):c.3157G>T (p.Ala1053Ser)

Gene: RYR2 (ryanodine receptor 2; plus strand). Cytogenetic location: 1q43.
Variant type: single nucleotide variant.
Coding change: c.3157G>T on transcript NM_001035.3 (MANE Select); coding-DNA position 3157, G replaced by T.
Protein change: p.Ala1053Ser; replaces alanine 1053 with serine.
Molecular consequence: missense variant.
Genome position (GRCh38, 1-based): chr1:237,550,634, G>T. VCF-style: chr1-237550634-G-T. GRCh37 (hg19) VCF-style: chr1-237713934-G-T.
Other names: short protein forms A1053S.
Identifiers: ClinVar variation 3385700 (VCV003385700.1).